The following is an entry in ClinVar:

NM_001085458.2(CTNND1):c.2144T>G (p.Ile715Arg)

Genes: CTNND1 (catenin delta 1; plus strand), TMX2-CTNND1 (TMX2-CTNND1 readthrough (NMD candidate); plus strand). Cytogenetic location: 11q12.1.
Variant type: single nucleotide variant.
Coding change: c.2144T>G on transcript NM_001085458.2 (MANE Select); coding-DNA position 2144, T replaced by G.
Protein change: p.Ile715Arg; replaces isoleucine 715 with arginine.
Molecular consequence: missense variant. On other transcripts: non-coding transcript variant (1).
Genome position (GRCh38, 1-based): chr11:57,808,442, T>G. VCF-style: chr11-57808442-T-G. GRCh37 (hg19) VCF-style: chr11-57575914-T-G.
Other names: c.2126T>G, p.Ile709Arg (NM_001085459.2, NM_001085460.2, NM_001085461.2 and 2 more transcripts); c.1841T>G, p.Ile614Arg (NM_001085463.2, NM_001085466.2); c.1823T>G, p.Ile608Arg (NM_001085464.2, NM_001085465.2, NM_001085467.2 and 3 more transcripts); c.1982T>G, p.Ile661Arg (NM_001206883.2, NM_001206884.2); c.2144T>G, p.Ile715Arg (NM_001206885.2); c.1964T>G, p.Ile655Arg (NM_001206886.2, NM_001206887.2, NM_001206888.2 and 2 more transcripts); short protein forms I608R, I614R, I655R, I661R, I709R, I715R.
Identifiers: ClinVar variation 2574221 (VCV002574221.1), dbSNP rs2062965668, ClinGen allele CA380729673.

ClinVar aggregate classification (germline): Uncertain significance (1 of 4 stars; one submission).

Submission:

GeneDx
Classification: Uncertain significance. Last evaluated: 2023-01-09. Review status: criteria provided, single submitter. Criteria: GeneDx Variant Classification Process June 2021. Collection method: clinical testing. Allele origin: germline. Affected: yes.
Comment: Not observed at significant frequency in large population cohorts (gnomAD); In silico analysis supports that this missense variant has a deleterious effect on protein structure/function; Has not been previously published as pathogenic or benign to our knowledge.